The following is an entry in ClinVar:

ClinVar aggregate classification (germline): Pathogenic (1 of 4 stars; one submission).

Submission:

Labcorp Genetics (formerly Invitae), Labcorp
Classification: Pathogenic. Last evaluated: 2024-11-29. Review status: criteria provided, single submitter. Criteria: Invitae Variant Classification Sherloc (09022015). Collection method: clinical testing. Allele origin: germline.
Comment: This sequence change results in a frameshift in the RS1 gene (p.Ser221Argfs*43). While this is not anticipated to result in nonsense mediated decay, it is expected to disrupt the last 4 amino acid(s) of the RS1 protein and extend the protein by 38 additional amino acid residues. This variant is not present in population databases (gnomAD no frequency). This variant has not been reported in the literature in individuals affected with RS1-related conditions. Algorithms developed to predict the effect of sequence changes on RNA splicing suggest that this variant may create or strengthen a splice site. This variant disrupts a region of the RS1 protein in which other variant(s) (p.Cys223Arg) have been determined to be pathogenic (PMID: 10533068, 30652005; internal data). This suggests that this is a clinically significant region of the protein, and that variants that disrupt it are likely to be disease-causing. For these reasons, this variant has been classified as Pathogenic.

Literature cited by the submitters: PubMed 10533068; PubMed 30652005.

NM_000330.4(RS1):c.662dup (p.Ser221fs)

Genes: CDKL5 (cyclin dependent kinase like 5; plus strand), RS1 (retinoschisin 1; minus strand). Cytogenetic location: Xp22.13.
Variant type: Duplication.
Coding change: c.662dup on transcript NM_000330.4 (MANE Select); coding-DNA position 662, one base duplicated (G; older notation c.662dupG).
Protein change: p.Ser221fs; shifts the reading frame from serine 221.
Molecular consequence: frameshift variant. On other transcripts: intron variant (2).
Genome position (GRCh38, 1-based): chrX:18,642,017, C duplicated on the plus strand (G on the coding strand, the reverse complement: RS1 is on the minus strand). VCF-style (leftmost placement, unchanged base first): chrX-18642016-G-GC. GRCh37 (hg19) VCF-style: chrX-18660136-G-GC.
Other names: c.2714-3990dup (NM_003159.3, NM_001037343.2); short protein forms S221fs.
Identifiers: ClinVar variation 3699831 (VCV003699831.2).